The following is an entry in ClinVar:

NM_001394998.1(TANC2):c.3619G>T (p.Gly1207Ter)

Genes: TANC2 (tetratricopeptide repeat, ankyrin repeat and coiled-coil containing 2; plus strand), LOC105371856 (uncharacterized LOC105371856; minus strand). Cytogenetic location: 17q23.3.
Variant type: single nucleotide variant.
Coding change: c.3619G>T on transcript NM_001394998.1 (MANE Select); coding-DNA position 3619, G replaced by T.
Protein change: p.Gly1207Ter; replaces glycine 1207 with a stop codon.
Molecular consequence: nonsense.
Genome position (GRCh38, 1-based): chr17:63,411,540, G>T. VCF-style: chr17-63411540-G-T. GRCh37 (hg19) VCF-style: chr17-61488901-G-T.
Other names: c.3397G>T, p.Gly1133Ter (NM_025185.4); short protein forms G1133*, G1207*.
Identifiers: ClinVar variation 977604 (VCV000977604.2), dbSNP rs2048703168, ClinGen allele CA400536186.

ClinVar aggregate classification (germline): Pathogenic (1 of 4 stars; one submission).

Conditions:
Intellectual disability. Also called: intellectual disabilities; Intellectual developmental disorder; Intellectual functioning disability. Identifiers: MedGen C3714756, MeSH D008607, MONDO:0001071, HP:0001249.

Submission:

Institute of Human Genetics, University of Leipzig Medical Center
Classification: Pathogenic for Intellectual disability. Last evaluated: 2020-08-03. Review status: criteria provided, single submitter. Criteria: ACMG Guidelines, 2015. Collection method: clinical testing. Allele origin: unknown. Affected: yes.
Comment: Inheritance for this variant was unknown. The variant likely explains the NDD in this individual.